The following is an entry in ClinVar:

NM_016539.4(SIRT6):c.701G>A (p.Gly234Asp)

Gene: SIRT6 (sirtuin 6; minus strand). Cytogenetic location: 19p13.3.
Variant type: single nucleotide variant.
Coding change: c.701G>A on transcript NM_016539.4 (MANE Select); coding-DNA position 701, G replaced by A.
Protein change: p.Gly234Asp; replaces glycine 234 with aspartic acid.
Molecular consequence: missense variant.
Genome position (GRCh38, 1-based): chr19:4,175,065, C>T on the plus strand (G>A on the coding strand, the complement: SIRT6 is on the minus strand). VCF-style: chr19-4175065-C-T. GRCh37 (hg19) VCF-style: chr19-4175062-C-T.
Other names: NM_001321064.2:c.445G>A; c.620G>A, p.Gly207Asp (NM_001193285.3); c.485G>A, p.Gly162Asp (NM_001321058.2); c.518G>A, p.Gly173Asp (NM_001321059.2); c.661G>A, p.Ala221Thr (NM_001321060.2); c.404G>A, p.Gly135Asp (NM_001321061.2); c.296G>A, p.Gly99Asp (NM_001321062.2); c.478G>A, p.Ala160Thr (NM_001321063.2); and 1 more; short protein forms A149T, A160T, A221T, G135D, G162D, G173D, G207D, G234D.
Identifiers: ClinVar variation 3385351 (VCV003385351.1).

ClinVar aggregate classification (germline): Uncertain significance (1 of 4 stars; one submission).

Conditions:
Syndromic complex neurodevelopmental disorder. Identifiers: MedGen CN372091, MONDO:0800439.

gnomAD v4.1: 6 of 1,589,222 alleles (0.00038%); highest among the groups gnomAD compares: Non-Finnish European, 0.00051%; no homozygotes.

Submission:

Broad Center for Mendelian Genomics, Broad Institute of MIT and Harvard
Classification: Uncertain significance for Syndromic complex neurodevelopmental disorder. Last evaluated: 2024-12-11. Review status: criteria provided, single submitter. Criteria: ACMG Guidelines, 2015. Collection method: curation. Allele origin: germline. Inheritance: Autosomal recessive inheritance. Study: GREGoR Consortium.
Comment: The heterozygous p.Gly234Asp variant in SIRT6 was identified by our study, in the compound heterozygous state, with another variant of uncertain significance, in 2 siblings with syndromic complex neurodevelopmental disorder. While this gene is still lacking sufficient evidence to establish a gene-disease relationship, we believe this is a possible novel gene candidate for syndromic complex neurodevelopmental disorder. Given the limited information about this gene-disease relationship, the significance of the p.Gly234Asp variant is uncertain. If you have any additional information about functional evidence or other individuals with this phenotype that also have variants in SIRT6 we encourage you to reach out to us.